The following is an entry in ClinVar:

NM_000548.5(TSC2):c.1214A>G (p.Glu405Gly)

Gene: TSC2 (TSC complex subunit 2; plus strand). Cytogenetic location: 16p13.3.
Variant type: single nucleotide variant.
Coding change: c.1214A>G on transcript NM_000548.5 (MANE Select); coding-DNA position 1214, A replaced by G.
Protein change: p.Glu405Gly; replaces glutamic acid 405 with glycine.
Molecular consequence: missense variant.
Genome position (GRCh38, 1-based): chr16:2,061,965, A>G. VCF-style: chr16-2061965-A-G. GRCh37 (hg19) VCF-style: chr16-2111966-A-G.
Other names: c.1247A>G, p.Glu416Gly (NM_001318832.2); c.1214A>G, p.Glu405Gly (NM_001363528.2, NM_001370404.1, NM_001370405.1 and 3 more transcripts); c.1103A>G, p.Glu368Gly (NM_001318827.2); c.1067A>G, p.Glu356Gly (NM_001318829.2); c.614A>G, p.Glu205Gly (NM_001318831.2); short protein forms E405G, E368G, E416G, E205G, E356G.
Identifiers: ClinVar variation 467851 (VCV000467851.17), dbSNP rs1057518321, ClinGen allele CA394321063.

ClinVar aggregate classification (germline): Conflicting classifications of pathogenicity. Review status: criteria provided, conflicting classifications (1 of 4 stars). 4 submissions from 4 submitters: Uncertain significance (3); Benign (1). Last evaluated 2025-08-20.

Conditions:
Tuberous sclerosis syndrome (TSC). Also called: Tuberous Sclerosis Complex; Tuberous sclerosis. Identifiers: Orphanet 805, MedGen C0041341, MONDO:0001734.
Isolated focal cortical dysplasia type II (FCORD2). Also called: CORTICAL DYSPLASIA OF TAYLOR; Focal cortical dysplasia type II. Identifiers: Orphanet 268994, MedGen C1846385, MONDO:0011818, OMIM 607341, HP:0032051.
Hereditary cancer-predisposing syndrome. Also called: Hereditary neoplastic syndrome; Neoplastic Syndromes, Hereditary; Tumor predisposition; Hereditary Cancer Syndrome. Identifiers: Orphanet 140162, MedGen C0027672, MeSH D009386, MONDO:0015356.
Tuberous sclerosis 2 (TSC2). Identifiers: Orphanet 805, MedGen C1860707, MONDO:0013199, OMIM 613254.

Allele frequency attached by ClinVar (database versions not stated): gnomAD exomes below 0.00001.
gnomAD v4.1: 1 of 1,614,156 alleles (0.000062%); highest among the groups gnomAD compares: Non-Finnish European, 0.000085%; no homozygotes.

Submissions (4):

Labcorp Genetics (formerly Invitae), Labcorp
Classification: Benign for Tuberous sclerosis 2. Last evaluated: 2025-08-20. Review status: criteria provided, single submitter. Criteria: Invitae Variant Classification Sherloc (09022015). Collection method: clinical testing. Allele origin: germline.

Ambry Genetics
Classification: Uncertain significance for Hereditary cancer-predisposing syndrome. Last evaluated: 2025-01-17. Review status: criteria provided, single submitter. Criteria: Ambry Variant Classification Scheme 2023. Collection method: clinical testing. Allele origin: germline.
Comment: The p.E405G variant (also known as c.1214A>G), located in coding exon 11 of the TSC2 gene, results from an A to G substitution at nucleotide position 1214. The glutamic acid at codon 405 is replaced by glycine, an amino acid with similar properties. This amino acid position is well conserved in available vertebrate species. In addition, the in silico prediction for this alteration is inconclusive. Since supporting evidence is limited at this time, the clinical significance of this alteration remains unclear.

All of Us Research Program, National Institutes of Health
Classification: Uncertain significance for Tuberous sclerosis syndrome. Last evaluated: 2023-10-23. Review status: criteria provided, single submitter. Criteria: ACMG Guidelines, 2015. Collection method: clinical testing. Allele origin: germline. Inheritance: Autosomal dominant inheritance. Observed: 1 variant allele, 1 heterozygote.
Comment: This missense variant replaces glutamic acid with glycine at codon 405 of the TSC2 protein. Computational prediction is inconclusive regarding the impact of this variant on protein structure and function (internally defined REVEL score threshold 0.5 < inconclusive < 0.7, PMID: 27666373). To our knowledge, functional studies have not been reported for this variant. This variant has not been reported in individuals affected with tuberous sclerosis complex in the literature. This variant has not been identified in the general population by the Genome Aggregation Database (gnomAD). The available evidence is insufficient to determine the role of this variant in disease conclusively. Therefore, this variant is classified as a Variant of Uncertain Significance.

This study involves interpretation of variants in research participants for the purpose of population health screening. Participant phenotype was not available at the time of variant classification. Additional details can be found in publication PMID: 35346344, PMCID: PMC8962531

Baylor Genetics
Classification: Uncertain significance for Isolated focal cortical dysplasia type II. Last evaluated: 2023-07-11. Review status: criteria provided, single submitter. Criteria: ACMG Guidelines, 2015. Collection method: clinical testing. Allele origin: unknown.